The following is an entry in ClinVar:

NM_002519.3(NPAT):c.696C>G (p.Phe232Leu)

Gene: NPAT (nuclear protein, coactivator of histone transcription; minus strand). Cytogenetic location: 11q22.3.
Variant type: single nucleotide variant.
Coding change: c.696C>G on transcript NM_002519.3 (MANE Select); coding-DNA position 696, C replaced by G.
Protein change: p.Phe232Leu; replaces phenylalanine 232 with leucine.
Molecular consequence: missense variant.
Genome position (GRCh38, 1-based): chr11:108,186,512, G>C on the plus strand (C>G on the coding strand, the complement: NPAT is on the minus strand). VCF-style: chr11-108186512-G-C. GRCh37 (hg19) VCF-style: chr11-108057239-G-C.
Other names: c.696C>G, p.Phe232Leu (NM_001321307.1); short protein forms F232L.
Identifiers: ClinVar variation 3407237 (VCV003407237.1).

ClinVar aggregate classification (germline): Uncertain significance (1 of 4 stars; one submission).

Submission:

Ambry Genetics
Classification: Uncertain significance. Last evaluated: 2024-10-13. Review status: criteria provided, single submitter. Criteria: Ambry Variant Classification Scheme 2023. Collection method: clinical testing. Allele origin: germline.
Comment: The p.F232L variant (also known as c.696C>G), located in coding exon 8 of the NPAT gene, results from a C to G substitution at nucleotide position 696. The phenylalanine at codon 232 is replaced by leucine, an amino acid with highly similar properties. This amino acid position is conserved. In addition, this alteration is predicted to be tolerated by in silico analysis. Based on the available evidence, the clinical significance of this variant remains unclear.